The following is an entry in ClinVar:

NM_000038.6(APC):c.135+3A>G

Gene: APC (APC regulator of Wnt signaling pathway; plus strand). Cytogenetic location: 5q22.2.
Variant type: single nucleotide variant.
Coding change: c.135+3A>G on transcript NM_000038.6 (MANE Select); 3 bases into the intron after coding-DNA position 135, A replaced by G.
Molecular consequence: intron variant.
Genome position (GRCh38, 1-based): chr5:112,755,028, A>G. VCF-style: chr5-112755028-A-G. GRCh37 (hg19) VCF-style: chr5-112090725-A-G.
Other names: c.-901+3A>G (NM_001407470.1, NM_001407472.1, NM_001354906.2 and 1 more transcripts); c.135+3A>G (NM_001407447.1, NM_001354895.2, NM_001407456.1 and 16 more transcripts); c.166-11298A>G (NM_001407446.1, NM_001354897.2, NM_001354902.2 and 1 more transcripts); c.-42-11298A>G (NM_001407453.1, NM_001354900.2, NM_001354901.2 and 1 more transcripts); c.61-11298A>G (NM_001407451.1, NM_001354898.2, NM_001354904.2).
Identifiers: ClinVar variation 3653498 (VCV003653498.3).
Genomic context (GRCh38, chr5:112,755,028, plus strand): 5'-GCTAGAAGATAATTCCAATCATCTTACAAAACTGGAAACTGAGGCATCTAATATGAAGGT[A>G]TCAAGACTGTGACTTTTAATTGTAGTTTATCCATTTTTATTCAGTATTCCCTCTTGTAAA-3'

ClinVar aggregate classification (germline): Uncertain significance. Review status: criteria provided, multiple submitters, no conflicts (2 of 4 stars). 2 submissions from 2 submitters: Uncertain significance (2). Last evaluated 2025-09-09.

Conditions:
Hereditary cancer-predisposing syndrome. Also called: Hereditary Cancer Syndrome; Neoplastic Syndromes, Hereditary; Hereditary neoplastic syndrome; Tumor predisposition. Identifiers: Orphanet 140162, MedGen C0027672, MeSH D009386, MONDO:0015356.
Familial adenomatous polyposis 1 (FAP1). Also called: FAMILIAL ADENOMATOUS POLYPOSIS 1, ATTENUATED; POLYPOSIS, ADENOMATOUS INTESTINAL. Identifiers: MedGen C2713442, MONDO:0021056, OMIM 175100. Disease mechanism: loss of function.

Submissions (2):

Color Diagnostics, LLC DBA Color Health
Classification: Uncertain significance for Hereditary cancer-predisposing syndrome. Last evaluated: 2025-09-09. Review status: criteria provided, single submitter. Criteria: ACMG Guidelines, 2015. Collection method: clinical testing. Allele origin: germline.
Comment: This variant causes an A to G nucleotide substitution at the +3 position of intron 2 of the APC gene. Splice site prediction tools predict that this variant may have a significant impact on RNA splicing, although this prediction has not been confirmed in published RNA studies. This variant has not been reported in individuals affected with APC-related disorders in the literature. This variant has not been identified in the general population by the Genome Aggregation Database (gnomAD). The available evidence is insufficient to determine the role of this variant in disease conclusively. Therefore, this variant is classified as a Variant of Uncertain Significance.

Labcorp Genetics (formerly Invitae), Labcorp
Classification: Uncertain significance for Familial adenomatous polyposis 1. Last evaluated: 2024-05-15. Review status: criteria provided, single submitter. Criteria: Invitae Variant Classification Sherloc (09022015). Collection method: clinical testing. Allele origin: germline.
Comment: This sequence change falls in intron 2 of the APC gene. It does not directly change the encoded amino acid sequence of the APC protein. It affects a nucleotide within the consensus splice site. This variant is not present in population databases (gnomAD no frequency). This variant has not been reported in the literature in individuals affected with APC-related conditions. Variants that disrupt the consensus splice site are a relatively common cause of aberrant splicing (PMID: 17576681, 9536098). Algorithms developed to predict the effect of sequence changes on RNA splicing suggest that this variant may disrupt the consensus splice site. In summary, the available evidence is currently insufficient to determine the role of this variant in disease. Therefore, it has been classified as a Variant of Uncertain Significance.

Literature cited by the submitters: PubMed 17576681 (cited by Labcorp Genetics (formerly Invitae), Labcorp); PubMed 9536098 (cited by Labcorp Genetics (formerly Invitae), Labcorp).